The following is an entry in ClinVar:

NM_007294.4(BRCA1):c.5198A>G (p.Asp1733Gly)

Gene: BRCA1 (BRCA1 DNA repair associated; minus strand). Cytogenetic location: 17q21.31.
Variant type: single nucleotide variant.
Coding change: c.5198A>G on transcript NM_007294.4 (MANE Select); coding-DNA position 5198, A replaced by G.
Protein change: p.Asp1733Gly; replaces aspartic acid 1733 with glycine.
Molecular consequence: missense variant. On other transcripts: non-coding transcript variant (1).
Genome position (GRCh38, 1-based): chr17:43,057,131, T>C on the plus strand (A>G on the coding strand, the complement: BRCA1 is on the minus strand). VCF-style: chr17-43057131-T-C. GRCh37 (hg19) VCF-style: chr17-41209148-T-C.
Other names: p.D1733G:GAT>GGT; c.5192A>G, p.Asp1731Gly (NM_001407630.1, NM_001407631.1, NM_001407632.1 and 14 more transcripts); c.1877A>G, p.Asp626Gly (NM_001408409.1); c.1814A>G, p.Asp605Gly (NM_001408410.1); c.1811A>G, p.Asp604Gly (NM_001408411.1); c.1808A>G, p.Asp603Gly (NM_001408412.1, NM_001408413.1, NM_001408414.1 and 2 more transcripts); c.1772A>G, p.Asp591Gly (NM_001408418.1, NM_001408419.1, NM_001408420.1); c.5195A>G, p.Asp1732Gly (NM_001407611.1, NM_001407612.1, NM_001407613.1 and 17 more transcripts); and 73 more; short protein forms D1733G, D1754G, D629G, D1686G, D1564G, D1604G, D1645G, D1661G.
Identifiers: ClinVar variation 55453 (VCV000055453.40), dbSNP rs80357270, ClinGen allele CA003349.

ClinVar aggregate classification (germline): Benign. Review status: reviewed by expert panel (3 of 4 stars). 14 submissions from 14 submitters: Benign (1). 13 of the submissions do not count toward it. Last evaluated 2019-06-18.

Conditions:
Hereditary cancer-predisposing syndrome. Also called: Hereditary Cancer Syndrome; Hereditary neoplastic syndrome; Neoplastic Syndromes, Hereditary; Tumor predisposition. Identifiers: Orphanet 140162, MedGen C0027672, MeSH D009386, MONDO:0015356.
Breast-ovarian cancer, familial, susceptibility to, 1 (BROVCA1). Also called: BRCA1 Hereditary Breast and Ovarian Cancer; OVARIAN CANCER, SUSCEPTIBILITY TO. Identifiers: Orphanet 145, MedGen C2676676, MONDO:0011450, OMIM 604370. Disease mechanism: loss of function.
BRCA1-related disorder. Also called: BRCA1-related condition.
Hereditary breast ovarian cancer syndrome. Also called: BRCA1- and BRCA2-Associated Hereditary Breast and Ovarian Cancer; Hereditary breast and ovarian cancer syndrome; Hereditary breast and ovarian cancer syndrome (HBOC); Breast and ovarian cancer; Hereditary breast and/or ovarian cancer syndrome; Hereditary breast and ovarian cancer. Identifiers: Orphanet 145, MedGen C0677776, MeSH D061325, MONDO:0003582. Disease mechanism: loss of function.

Allele frequency attached by ClinVar (database versions not stated): TOPMed 0.00004.
gnomAD v4.1: 91 of 1,613,744 alleles (0.0056%); highest among the groups gnomAD compares: Non-Finnish European, 0.0072%; no homozygotes.

Submissions (15):

Evidence-based Network for the Interpretation of Germline Mutant Alleles (ENIGMA)
Classification: Benign for Breast-ovarian cancer, familial, susceptibility to, 1. Last evaluated: 2019-06-18. Review status: reviewed by expert panel. Criteria: ENIGMA BRCA1/2 Classification Criteria (2017-06-29). Collection method: curation. Allele origin: germline.
Comment: IARC class based on posterior probability from multifactorial likelihood analysis, thresholds for class as per Plon et al. 2008 (PMID: 18951446). Class 1 based on posterior probability = 0.000577

Labcorp Genetics (formerly Invitae), Labcorp
Classification: Likely benign for Hereditary breast ovarian cancer syndrome. Last evaluated: 2026-01-12. Review status: criteria provided, single submitter. Criteria: Invitae Variant Classification Sherloc (09022015). Collection method: clinical testing. Allele origin: germline. Not counted in ClinVar's aggregate classification.

Color Diagnostics, LLC DBA Color Health
Classification: Benign for Hereditary cancer-predisposing syndrome. Last evaluated: 2024-09-17. Review status: criteria provided, single submitter. Criteria: ACMG Guidelines, 2015. Collection method: clinical testing. Allele origin: germline. Not counted in ClinVar's aggregate classification.

Institute for Biomarker Research, Medical Diagnostic Laboratories, L.L.C.
Classification: Uncertain significance for Hereditary breast ovarian cancer syndrome. Last evaluated: 2024-01-23. Review status: criteria provided, single submitter. Criteria: ACMG Guidelines, 2015. Collection method: clinical testing. Allele origin: germline. Not counted in ClinVar's aggregate classification.

Women's Health and Genetics/Laboratory Corporation of America, LabCorp
Classification: Benign. Last evaluated: 2023-03-13. Review status: criteria provided, single submitter. Criteria: LabCorp Variant Classification Summary - May 2015. Collection method: clinical testing. Allele origin: germline. Not counted in ClinVar's aggregate classification.
Comment: Variant summary: BRCA1 c.5198A>G (p.Asp1733Gly) results in a non-conservative amino acid change located in the BRCT domain (IPR001357) of the encoded protein sequence. Three of five in-silico tools predict a damaging effect of the variant on protein function. The variant allele was found at a frequency of 2e-05 in 251488 control chromosomes (gnomAD). The available data on variant occurrences in the general population are insufficient to allow any conclusion about variant significance. c.5198A>G has been reported in the literature in individuals affected with Hereditary Breast and Ovarian Cancer (e.g. Judkins_2005, Tavtigian_2006). These reports however, do not provide unequivocal conclusions about association of the variant with Hereditary Breast and Ovarian Cancer. Co-occurrence with other pathogenic variants (such as BRCA1 c.1059G>A, p.Trp353Ter) have been reported in the BIC database and in publication (Tavtigian_2006), providing supporting evidence for a benign role. In addition, multiple functional studies report comparable transcriptional activity and other properties between the variant and wild-type. Eight clinical diagnostic laboratories have submitted clinical-significance assessments for this variant to ClinVar after 2014 without evidence for independent evaluation (Benign/likely benign n=7, VUS n=1). Based on the evidence outlined above, the variant was classified as benign.

Department of Pathology and Laboratory Medicine, Sinai Health System
Classification: Likely benign for Hereditary breast ovarian cancer syndrome. Last evaluated: 2022-10-28. Review status: criteria provided, single submitter. Criteria: ACMG Guidelines, 2015. Collection method: clinical testing. Allele origin: germline. Affected: yes. Not counted in ClinVar's aggregate classification.

ARUP Laboratories, Molecular Genetics and Genomics, ARUP Laboratories
Classification: Likely benign. Last evaluated: 2021-07-21. Review status: criteria provided, single submitter. Criteria: ARUP Molecular Germline Variant Investigation Process 2021. Collection method: clinical testing. Allele origin: germline. Not counted in ClinVar's aggregate classification.

Quest Diagnostics Nichols Institute San Juan Capistrano
Classification: Likely benign. Last evaluated: 2020-01-24. Review status: criteria provided, single submitter. Criteria: Quest Diagnostics criteria. Collection method: clinical testing. Allele origin: unknown. Not counted in ClinVar's aggregate classification.

Ambry Genetics
Classification: Likely benign for Hereditary cancer-predisposing syndrome. Last evaluated: 2018-09-11. Review status: criteria provided, single submitter. Criteria: Ambry Variant Classification Scheme 2023. Collection method: clinical testing. Allele origin: germline. Not counted in ClinVar's aggregate classification.

Genetic Services Laboratory, University of Chicago
Classification: Uncertain significance. Last evaluated: 2018-07-12. Review status: criteria provided, single submitter. Criteria: ACMG Guidelines, 2015. Collection method: clinical testing. Allele origin: germline. Affected: no. Not counted in ClinVar's aggregate classification.

GeneDx
Classification: Likely benign. Last evaluated: 2018-02-14. Review status: criteria provided, single submitter. Criteria: GeneDx Variant Classification (06012015). Collection method: clinical testing. Allele origin: germline. Affected: yes. Not counted in ClinVar's aggregate classification.
Comment: This variant is considered likely benign or benign based on one or more of the following criteria: it is a conservative change, it occurs at a poorly conserved position in the protein, it is predicted to be benign by multiple in silico algorithms, and/or has population frequency not consistent with disease.

PreventionGenetics, part of Exact Sciences
Classification: Benign for BRCA1-related condition. Last evaluated: 2022-05-03. Review status: no assertion criteria provided. Collection method: clinical testing. Allele origin: germline. Not counted in ClinVar's aggregate classification.
Comment: This variant is classified as benign based on ACMG/AMP sequence variant interpretation guidelines (Richards et al. 2015 PMID: 25741868, with internal and published modifications).

Breast Cancer Information Core (BIC) (BRCA1)
Classification: Uncertain significance for Breast-ovarian cancer, familial 1. Last evaluated: 2004-02-20. Review status: no assertion criteria provided. Collection method: clinical testing. Allele origin: germline. Affected: yes. Observed: 6 variant alleles. Not counted in ClinVar's aggregate classification.

Brotman Baty Institute, University of Washington
No classification provided (evidence only). Condition: Breast-ovarian cancer, familial 1. Review status: no classification provided. Collection method: in vitro. Allele origin: not applicable. Functional consequence: functionally_normal. Not counted in ClinVar's aggregate classification.
ClinVar note: "not provided" was previously submitted as the classification for the variant. However, the classification appeared to be based only on an observation of functional data so it was converted to no classification on 2025-07-30.

emedgene Technologies
Classification: Benign for Breast-ovarian cancer, familial, susceptibility to, 1. Review status: no assertion criteria provided. Collection method: not provided. Allele origin: germline. Affected: yes. Not counted in ClinVar's aggregate classification.

Literature cited by the submitters: PubMed 31131967 (cited by Evidence-based Network for the Interpretation of Germline Mutant Alleles (ENIGMA)); PubMed 16267036 (cited by Women's Health and Genetics/Laboratory Corporation of America, LabCorp and Quest Diagnostics Nichols Institute San Juan Capistrano); PubMed 15385441 (cited by Women's Health and Genetics/Laboratory Corporation of America, LabCorp); PubMed 16014699 (cited by 3 submitters); PubMed 15172985 (cited by Women's Health and Genetics/Laboratory Corporation of America, LabCorp and Quest Diagnostics Nichols Institute San Juan Capistrano); PubMed 20516115 (cited by Women's Health and Genetics/Laboratory Corporation of America, LabCorp and Quest Diagnostics Nichols Institute San Juan Capistrano); PubMed 17161371 (cited by Women's Health and Genetics/Laboratory Corporation of America, LabCorp and Quest Diagnostics Nichols Institute San Juan Capistrano); PubMed 10811118 (cited by Women's Health and Genetics/Laboratory Corporation of America, LabCorp and Quest Diagnostics Nichols Institute San Juan Capistrano); PubMed 11157798 (cited by Women's Health and Genetics/Laboratory Corporation of America, LabCorp and Quest Diagnostics Nichols Institute San Juan Capistrano); PubMed 30765603 (cited by Women's Health and Genetics/Laboratory Corporation of America, LabCorp); PubMed 33471991 (cited by Department of Pathology and Laboratory Medicine, Sinai Health System); PubMed 30209399 (cited by Department of Pathology and Laboratory Medicine, Sinai Health System); PubMed 22737296 (cited by Quest Diagnostics Nichols Institute San Juan Capistrano).